The following is an entry in ClinVar:

ClinVar aggregate classification (germline): Conflicting classifications of pathogenicity. Review status: criteria provided, conflicting classifications (1 of 4 stars). 3 submissions from 3 submitters: Likely pathogenic (2); Uncertain significance (1). Last evaluated 2023-05-02.

Conditions:
PKD2-related disorder. Also called: PKD2-related condition.
Polycystic kidney disease 2 (PKD2). Also called: Polycystic Kidney Disease 2, Autosomal Dominant; POLYCYSTIC KIDNEY DISEASE 2 WITH OR WITHOUT POLYCYSTIC LIVER DISEASE; POLYCYSTIC KIDNEY DISEASE, ADULT, TYPE II. Identifiers: MedGen C2751306, MONDO:0013131, OMIM 613095.
Inborn genetic diseases. Identifiers: MedGen C0950123, MeSH D030342.

Submissions (3):

Ambry Genetics
Classification: Uncertain significance for Inborn genetic diseases. Last evaluated: 2023-05-02. Review status: criteria provided, single submitter. Criteria: Ambry Variant Classification Scheme 2023. Collection method: clinical testing. Allele origin: germline.

Blueprint Genetics
Classification: Likely pathogenic for PKD2-related disorders. Last evaluated: 2021-07-27. Review status: criteria provided, single submitter. Criteria: ACMG Guidelines, 2015. Collection method: clinical testing. Allele origin: germline. Affected: yes. Observed: 1 variant allele.

Juno Genomics, Hangzhou Juno Genomics, Inc
Classification: Likely pathogenic for Polycystic kidney disease 2. Review status: criteria provided, single submitter. Criteria: ACMG Guidelines, 2015. Collection method: clinical testing. Allele origin: germline. Affected: yes.
Comment: Absent from controls (or at extremely low frequency if recessive) in Genome Aggregation Database, Exome Sequencing Project, 1000 Genomes Project, or Exome Aggregation Consortium.;Multiple lines of computational evidence support a deleterious effect on the gene or gene product (conservation, evolutionary, splicing impact, etc).;Novel missense change at an amino acid residue where a different missense change determined to be pathogenic has been seen before.;The prevalence of the variant in affected individuals is significantly increased compared to the prevalence in controls.;Assumed de novo, but without confirmation of paternity and maternity.;Patient's phenotype or family history is highly specific for a disease with a single genetic etiology.

Literature cited by the submitters: PubMed 22185115 (cited by Ambry Genetics); PubMed 33639313 (cited by Ambry Genetics).

NM_000297.4(PKD2):c.1034A>G (p.Tyr345Cys)

Gene: PKD2 (polycystin 2, transient receptor potential cation channel; plus strand). Cytogenetic location: 4q22.1.
Variant type: single nucleotide variant.
Coding change: c.1034A>G on transcript NM_000297.4 (MANE Select); coding-DNA position 1034, A replaced by G.
Protein change: p.Tyr345Cys; replaces tyrosine 345 with cysteine.
Molecular consequence: missense variant. On other transcripts: non-coding transcript variant (1).
Genome position (GRCh38, 1-based): chr4:88,038,441, A>G. VCF-style: chr4-88038441-A-G. GRCh37 (hg19) VCF-style: chr4-88959593-A-G.
Other names: short protein forms Y345C.
Identifiers: ClinVar variation 2535896 (VCV002535896.5), dbSNP rs2475901770, ClinGen allele CA357633068.